The following is an entry in ClinVar:

NM_007294.4(BRCA1):c.3359_3360del (p.Val1120fs)

Genes: BRCA1 (BRCA1 DNA repair associated; minus strand), LOC126862571 (BRD4-independent group 4 enhancer GRCh37_chr17:41243136-41244335; plus strand). Cytogenetic location: 17q21.31.
Variant type: Deletion.
Coding change: c.3359_3360del on transcript NM_007294.4 (MANE Select); coding-DNA positions 3359 to 3360, 2 bases deleted (TT; older notation c.3359_3360delTT).
Protein change: p.Val1120fs; shifts the reading frame from valine 1120.
Molecular consequence: frameshift variant. On other transcripts: intron variant (137).
Genome position (GRCh38, 1-based): chr17:43,092,171-43,092,172, AA deleted on the plus strand (TT on the coding strand, the reverse complement: BRCA1 is on the minus strand). VCF-style (leftmost placement, unchanged base first): chr17-43092170-TAA-T. GRCh37 (hg19) VCF-style: chr17-41244187-TAA-T.
Other names: 3478delTT; c.3146_3147del, p.Val1049fs (NM_001407899.1, NM_001407915.1, NM_001407916.1 and 9 more transcripts); c.3149_3150del, p.Val1050fs (NM_001407900.1, NM_001407902.1, NM_001407904.1 and 13 more transcripts); c.3236_3237del, p.Val1079fs (NM_001407919.1, NM_001407937.1, NM_001407938.1 and 19 more transcripts); c.3095_3096del, p.Val1032fs (NM_001407920.1, NM_001407921.1, NM_001407922.1 and 9 more transcripts); c.3092_3093del, p.Val1031fs (NM_001407930.1, NM_001407931.1, NM_001407932.1 and 2 more transcripts); c.3233_3234del, p.Val1078fs (NM_001407940.1, NM_001407941.1, NM_001407649.1 and 11 more transcripts); c.3218_3219del, p.Val1073fs (NM_001407942.1, NM_001407944.1, NM_001407945.1 and 29 more transcripts); and 42 more; short protein forms V1120fs, V1073fs, V1009fs, V1053fs, V1072fs, V1078fs, V1079fs, V1119fs.
Identifiers: ClinVar variation 54856 (VCV000054856.20), dbSNP rs80357843, ClinGen allele CA002180.

ClinVar aggregate classification (germline): Pathogenic. Review status: reviewed by expert panel (3 of 4 stars). 8 submissions from 8 submitters: Pathogenic (1). 7 of the submissions do not count toward it. Last evaluated 2016-09-08.

Conditions:
Hereditary cancer-predisposing syndrome. Also called: Tumor predisposition; Neoplastic Syndromes, Hereditary; Hereditary Cancer Syndrome; Hereditary neoplastic syndrome. Identifiers: Orphanet 140162, MedGen C0027672, MeSH D009386, MONDO:0015356.
Hereditary breast ovarian cancer syndrome. Also called: Hereditary breast and ovarian cancer syndrome (HBOC); Hereditary breast and ovarian cancer syndrome; Hereditary breast and ovarian cancer; Hereditary breast and/or ovarian cancer syndrome; Breast and ovarian cancer; BRCA1- and BRCA2-Associated Hereditary Breast and Ovarian Cancer. Identifiers: Orphanet 145, MedGen C0677776, MeSH D061325, MONDO:0003582. Disease mechanism: loss of function.
Breast-ovarian cancer, familial, susceptibility to, 1 (BROVCA1). Also called: OVARIAN CANCER, SUSCEPTIBILITY TO; BRCA1 Hereditary Breast and Ovarian Cancer. Identifiers: Orphanet 145, MedGen C2676676, MONDO:0011450, OMIM 604370. Disease mechanism: loss of function.
Familial cancer of breast. Also called: Hereditary breast cancer; hereditary breast carcinoma; BREAST CANCER, FAMILIAL. Identifiers: Orphanet 227535, MedGen C0346153, MONDO:0016419, OMIM 114480. Disease mechanism: loss of function.

Submissions (8):

Evidence-based Network for the Interpretation of Germline Mutant Alleles (ENIGMA)
Classification: Pathogenic for Breast-ovarian cancer, familial, susceptibility to, 1. Last evaluated: 2016-09-08. Review status: reviewed by expert panel. Criteria: ENIGMA BRCA1/2 Classification Criteria (2015). Collection method: curation. Allele origin: germline.
Comment: Variant allele predicted to encode a truncated non-functional protein.

Department of Clinical Genetics, Copenhagen University Hospital, Rigshospitalet
Classification: Pathogenic for Familial cancer of breast. Last evaluated: 2026-06-08. Review status: criteria provided, single submitter. Criteria: ACMG Guidelines, 2015. Collection method: clinical testing. Allele origin: germline. Not counted in ClinVar's aggregate classification.
Comment: The following ACMG criteria has been used: PM2_SUP (not reported in gnomAD v.4.1); PVS1; PM5_PTC_Strong

Center for Genomic Medicine, Rigshospitalet, Copenhagen University Hospital
Classification: Pathogenic. Last evaluated: 2025-03-04. Review status: criteria provided, single submitter. Criteria: ACMG Guidelines, 2015. Collection method: clinical testing. Allele origin: germline. Not counted in ClinVar's aggregate classification.

Labcorp Genetics (formerly Invitae), Labcorp
Classification: Pathogenic for Hereditary breast ovarian cancer syndrome. Last evaluated: 2023-04-04. Review status: criteria provided, single submitter. Criteria: Invitae Variant Classification Sherloc (09022015). Collection method: clinical testing. Allele origin: germline. Not counted in ClinVar's aggregate classification.
Comment: This sequence change creates a premature translational stop signal (p.Val1120Glufs*12) in the BRCA1 gene. It is expected to result in an absent or disrupted protein product. Loss-of-function variants in BRCA1 are known to be pathogenic (PMID: 20104584). This variant is not present in population databases (gnomAD no frequency). This premature translational stop signal has been observed in individual(s) with hereditary breast and ovarian cancer (PMID: 18176857, 22426013, 23479189). This variant is also known as 3478_3479delTT. ClinVar contains an entry for this variant (Variation ID: 54856). For these reasons, this variant has been classified as Pathogenic.

Ambry Genetics
Classification: Pathogenic for Hereditary cancer-predisposing syndrome. Last evaluated: 2022-09-26. Review status: criteria provided, single submitter. Criteria: Ambry Variant Classification Scheme 2023. Collection method: clinical testing. Allele origin: germline. Not counted in ClinVar's aggregate classification.
Comment: The c.3359_3360delTT pathogenic mutation, located in coding exon 9 of the BRCA1 gene, results from a deletion of two nucleotides at nucleotide positions 3359 and 3360, causing a translational frameshift with a predicted alternate stop codon. This alteration has been identified in multiple families with hereditary breast and/or ovarian cancer, primarily of Spanish descent (Miramar MD, et al. Breast Cancer Res. Treat. 2008 Nov; 112(2):353-8; de Juan Jimenez I et al. Fam. Cancer 2013 Dec;12(4):767-77; Rebbeck TR et al. Hum. Mutat. 2018 05;39(5):593-620). In addition to the clinical data presented in the literature, this alteration is expected to result in loss of function by premature protein truncation or nonsense-mediated mRNA decay. As such, this alteration is interpreted as a disease-causing mutation.

Consortium of Investigators of Modifiers of BRCA1/2 (CIMBA), c/o University of Cambridge
Classification: Pathogenic for Breast-ovarian cancer, familial, susceptibility to, 1. Last evaluated: 2015-10-02. Review status: criteria provided, single submitter. Criteria: CIMBA Mutation Classification guidelines May 2016. Collection method: clinical testing. Allele origin: germline. Not counted in ClinVar's aggregate classification.

Sharing Clinical Reports Project (SCRP)
Classification: Pathogenic for Breast-ovarian cancer, familial 1. Last evaluated: 2008-06-17. Review status: no assertion criteria provided. Collection method: clinical testing. Allele origin: germline. Not counted in ClinVar's aggregate classification.

Breast Cancer Information Core (BIC) (BRCA1)
Classification: Pathogenic for Breast-ovarian cancer, familial 1. Last evaluated: 2004-02-20. Review status: no assertion criteria provided. Collection method: clinical testing. Allele origin: germline. Affected: yes. Observed: 1 variant allele. Not counted in ClinVar's aggregate classification.

Literature cited by the submitters: PubMed 23479189 (cited by Center for Genomic Medicine, Rigshospitalet, Copenhagen University Hospital and Labcorp Genetics (formerly Invitae), Labcorp); PubMed 20104584 (cited by Labcorp Genetics (formerly Invitae), Labcorp); PubMed 18176857 (cited by Labcorp Genetics (formerly Invitae), Labcorp and Ambry Genetics); PubMed 22426013 (cited by Labcorp Genetics (formerly Invitae), Labcorp).